The following is an entry in ClinVar:

ClinVar aggregate classification (germline): Uncertain significance (1 of 4 stars; one submission).

Conditions:
Hereditary hyperekplexia. Identifiers: Orphanet 3197, MedGen C4084968, MONDO:0021022.

Allele frequency attached by ClinVar (database versions not stated): gnomAD exomes below 0.00001 and 0.00001; TOPMed below 0.00001; ExAC 0.00002; ESP Exome Variant Server 0.00008.
gnomAD v4.1: 2 of 1,611,322 alleles (0.00012%); highest among the groups gnomAD compares: Non-Finnish European, 0.00017%; no homozygotes.

Submission:

Labcorp Genetics (formerly Invitae), Labcorp
Classification: Uncertain significance for Hereditary hyperekplexia. Last evaluated: 2020-02-07. Review status: criteria provided, single submitter. Criteria: Invitae Variant Classification Sherloc (09022015). Collection method: clinical testing. Allele origin: germline.
Comment: This sequence change replaces serine with alanine at codon 365 of the GLRA1 protein (p.Ser365Ala). The serine residue is moderately conserved and there is a moderate physicochemical difference between serine and alanine. This variant is present in population databases (rs146911085, ExAC 0.003%). This variant has not been reported in the literature in individuals with GLRA1-related conditions. Algorithms developed to predict the effect of missense changes on protein structure and function (SIFT, PolyPhen-2, Align-GVGD) all suggest that this variant is likely to be tolerated, but these predictions have not been confirmed by published functional studies and their clinical significance is uncertain. In summary, the available evidence is currently insufficient to determine the role of this variant in disease. Therefore, it has been classified as a Variant of Uncertain Significance.

NM_000171.4(GLRA1):c.1093T>G (p.Ser365Ala)

Gene: GLRA1 (glycine receptor alpha 1; minus strand). Cytogenetic location: 5q33.1.
Variant type: single nucleotide variant.
Coding change: c.1093T>G on transcript NM_000171.4 (MANE Select); coding-DNA position 1093, T replaced by G.
Protein change: p.Ser365Ala; replaces serine 365 with alanine.
Molecular consequence: missense variant.
Genome position (GRCh38, 1-based): chr5:151,822,930, A>C on the plus strand (T>G on the coding strand, the complement: GLRA1 is on the minus strand). VCF-style: chr5-151822930-A-C. GRCh37 (hg19) VCF-style: chr5-151202491-A-C.
Other names: c.1117T>G, p.Ser373Ala (NM_001146040.2); c.844T>G, p.Ser282Ala (NM_001292000.2); short protein forms S365A, S373A, S282A.
Identifiers: ClinVar variation 862285 (VCV000862285.9), dbSNP rs146911085, ClinGen allele CA3523510.
Genomic context (GRCh38, chr5:151,822,930, plus strand): 5'-CGCCCTTGACTGAGATGCCATCCTTGGCCTGTAGACAGGCTGGGCCCATCCCATAGGCAG[A>C]GAAGTTAAAGCGGCCTTCTCCAGCTTCATCCTCCTGGAATAGATTCAACATGGGGCTCTA-3'
Protein context (NP_000162.2, residues 355-375): DEAGEGRFNF[Ser365Ala]AYGMGPACLQ